The following is an entry in ClinVar:

NM_004380.3(CREBBP):c.4893C>G (p.Val1631=)

Gene: CREBBP (CREB binding lysine acetyltransferase; minus strand). Cytogenetic location: 16p13.3.
Variant type: single nucleotide variant.
Coding change: c.4893C>G on transcript NM_004380.3 (MANE Select); coding-DNA position 4893, C replaced by G.
Protein change: p.Val1631=; no amino-acid change (valine 1631 retained).
Molecular consequence: synonymous variant.
Genome position (GRCh38, 1-based): chr16:3,731,471, G>C on the plus strand (C>G on the coding strand, the complement: CREBBP is on the minus strand). VCF-style: chr16-3731471-G-C. GRCh37 (hg19) VCF-style: chr16-3781472-G-C.
Other names: c.4779C>G, p.Val1593= (NM_001079846.1).
Identifiers: ClinVar variation 3344934 (VCV003344934.1).

ClinVar aggregate classification (germline): Likely benign (0 of 4 stars; one submission).

Conditions:
CREBBP-related disorder. Also called: CREBBP-related condition; CREBBP-related disorders.

Submission:

PreventionGenetics, part of Exact Sciences
Classification: Likely benign for CREBBP-related condition. Last evaluated: 2024-07-03. Review status: no assertion criteria provided. Collection method: clinical testing. Allele origin: germline.
Comment: This variant is classified as likely benign based on ACMG/AMP sequence variant interpretation guidelines (Richards et al. 2015 PMID: 25741868, with internal and published modifications).